The following is an entry in ClinVar:

NM_014264.5(PLK4):c.116C>A (p.Ala39Glu)

Gene: PLK4 (polo like kinase 4; plus strand). Cytogenetic location: 4q28.1.
Variant type: single nucleotide variant.
Coding change: c.116C>A on transcript NM_014264.5 (MANE Select); coding-DNA position 116, C replaced by A.
Protein change: p.Ala39Glu; replaces alanine 39 with glutamic acid.
Molecular consequence: missense variant. On other transcripts: 5 prime UTR variant (1).
Genome position (GRCh38, 1-based): chr4:127,881,916, C>A. VCF-style: chr4-127881916-C-A. GRCh37 (hg19) VCF-style: chr4-128803071-C-A.
Other names: c.116C>A, p.Ala39Glu (NM_001190799.2); c.-8C>A (NM_001190801.2); short protein forms A39E.
Identifiers: ClinVar variation 1375817 (VCV001375817.6), dbSNP rs1232476420, ClinGen allele CA358167209.

ClinVar aggregate classification (germline): Uncertain significance (1 of 4 stars; one submission).

Submission:

Labcorp Genetics (formerly Invitae), Labcorp
Classification: Uncertain significance. Last evaluated: 2022-06-04. Review status: criteria provided, single submitter. Criteria: Invitae Variant Classification Sherloc (09022015). Collection method: clinical testing. Allele origin: germline.
Comment: This sequence change replaces alanine, which is neutral and non-polar, with glutamic acid, which is acidic and polar, at codon 39 of the PLK4 protein (p.Ala39Glu). This variant is not present in population databases (gnomAD no frequency). This variant has not been reported in the literature in individuals affected with PLK4-related conditions. ClinVar contains an entry for this variant (Variation ID: 1375817). Algorithms developed to predict the effect of missense changes on protein structure and function (SIFT, PolyPhen-2, Align-GVGD) all suggest that this variant is likely to be disruptive. In summary, the available evidence is currently insufficient to determine the role of this variant in disease. Therefore, it has been classified as a Variant of Uncertain Significance.